The following is an entry in ClinVar:

NM_018076.5(ODAD2):c.2884C>T (p.His962Tyr)

Gene: ODAD2 (outer dynein arm docking complex subunit 2; minus strand). Cytogenetic location: 10p12.1.
Variant type: single nucleotide variant.
Coding change: c.2884C>T on transcript NM_018076.5 (MANE Select); coding-DNA position 2884, C replaced by T.
Protein change: p.His962Tyr; replaces histidine 962 with tyrosine.
Molecular consequence: missense variant.
Genome position (GRCh38, 1-based): chr10:27,860,762, G>A on the plus strand (C>T on the coding strand, the complement: ODAD2 is on the minus strand). VCF-style: chr10-27860762-G-A. GRCh37 (hg19) VCF-style: chr10-28149691-G-A.
Other names: c.2884C>T, p.His962Tyr (NM_001290020.2); c.1459C>T, p.His487Tyr (NM_001290021.2); c.1960C>T, p.His654Tyr (NM_001312689.2); short protein forms H487Y, H654Y, H962Y.
Identifiers: ClinVar variation 1800167 (VCV001800167.2), dbSNP rs1369854961, ClinGen allele CA376492195.
Genomic context (GRCh38, chr10:27,860,762, plus strand): 5'-CCCGATGCACGTTGGTGTCATTTGATTTCAGATAACGCACTAGTGGAGCCACTGCTTTGT[G>A]CTCACCGAAGGCCACTCTATTCCTGCCCCACATACAGCAACGTGAAATAGCTTCTGCTAG-3'
Protein context (NP_060546.2, residues 952-972): WGRNRVAFGE[His962Tyr]KAVAPLVRYL

ClinVar aggregate classification (germline): Uncertain significance (1 of 4 stars; one submission).

Conditions:
Primary ciliary dyskinesia. Also called: Ciliary dyskinesia. Identifiers: Orphanet 244, MedGen C0008780, MONDO:0016575, HP:0012265.

gnomAD v4.1: 1 of 1,614,146 alleles (0.000062%); highest among the groups gnomAD compares: Non-Finnish European, 0.000085%; no homozygotes.

Submission:

Ambry Genetics
Classification: Uncertain significance for Primary ciliary dyskinesia. Last evaluated: 2020-01-17. Review status: criteria provided, single submitter. Criteria: Ambry Variant Classification Scheme 2023. Collection method: clinical testing. Allele origin: germline.
Comment: The p.H962Y variant (also known as c.2884C>T), located in coding exon 18 of the ARMC4 gene, results from a C to T substitution at nucleotide position 2884. The histidine at codon 962 is replaced by tyrosine, an amino acid with similar properties. This amino acid position is poorly conserved in available vertebrate species. In addition, this alteration is predicted to be tolerated by in silico analysis. Since supporting evidence is limited at this time, the clinical significance of this alteration remains unclear.